The following is an entry in ClinVar:

ClinVar aggregate classification (germline): Uncertain significance (1 of 4 stars; one submission).

Conditions:
Inborn genetic diseases. Identifiers: MedGen C0950123, MeSH D030342.

Submission:

Ambry Genetics
Classification: Uncertain significance for Inborn genetic diseases. Last evaluated: 2025-06-13. Review status: criteria provided, single submitter. Criteria: Ambry Variant Classification Scheme 2023. Collection method: clinical testing. Allele origin: germline.
Comment: The p.H171Q variant (also known as c.513C>A), located in coding exon 4 of the SBDS gene, results from a C to A substitution at nucleotide position 513. The histidine at codon 171 is replaced by glutamine, an amino acid with highly similar properties. This amino acid position is conserved. In addition, the in silico prediction for this alteration is inconclusive. Based on the available evidence, the clinical significance of this variant remains unclear.

NM_016038.4(SBDS):c.513C>A (p.His171Gln)

Gene: SBDS (SBDS ribosome maturation factor; minus strand). Cytogenetic location: 7q11.21.
Variant type: single nucleotide variant.
Coding change: c.513C>A on transcript NM_016038.4 (MANE Select); coding-DNA position 513, C replaced by A.
Protein change: p.His171Gln; replaces histidine 171 with glutamine.
Molecular consequence: missense variant.
Genome position (GRCh38, 1-based): chr7:66,991,248, G>T on the plus strand (C>A on the coding strand, the complement: SBDS is on the minus strand). VCF-style: chr7-66991248-G-T. GRCh37 (hg19) VCF-style: chr7-66456235-G-T.
Other names: short protein forms H171Q.
Identifiers: ClinVar variation 3950345 (VCV003950345.1).